The following is an entry in ClinVar:

NM_001385012.1(NBEA):c.5369G>A (p.Ser1790Asn)

Gene: NBEA (neurobeachin; plus strand). Cytogenetic location: 13q13.3.
Variant type: single nucleotide variant.
Coding change: c.5369G>A on transcript NM_001385012.1 (MANE Select); coding-DNA position 5369, G replaced by A.
Protein change: p.Ser1790Asn; replaces serine 1790 with asparagine.
Molecular consequence: missense variant.
Genome position (GRCh38, 1-based): chr13:35,208,702, G>A. VCF-style: chr13-35208702-G-A. GRCh37 (hg19) VCF-style: chr13-35782839-G-A.
Other names: c.5360G>A, p.Ser1787Asn (NM_001379245.1); c.5369G>A, p.Ser1790Asn (NM_015678.5); short protein forms S1787N, S1790N.
Identifiers: ClinVar variation 3907712 (VCV003907712.1).

ClinVar aggregate classification (germline): Uncertain significance (1 of 4 stars; one submission).

Submission:

GeneDx
Classification: Uncertain significance. Last evaluated: 2024-12-31. Review status: criteria provided, single submitter. Criteria: GeneDx Variant Classification Process June 2021. Collection method: clinical testing. Allele origin: germline. Affected: yes.
Comment: Not observed at significant frequency in large population cohorts (gnomAD); In silico analysis indicates that this missense variant does not alter protein structure/function; Has not been previously published as pathogenic or benign to our knowledge